The following is an entry in ClinVar:

ClinVar aggregate classification (germline): Uncertain significance (1 of 4 stars; one submission).

Submission:

Labcorp Genetics (formerly Invitae), Labcorp
Classification: Uncertain significance. Last evaluated: 2022-07-27. Review status: criteria provided, single submitter. Criteria: Invitae Variant Classification Sherloc (09022015). Collection method: clinical testing. Allele origin: germline.
Comment: This variant results in a copy number gain of the genomic region encompassing exon(s) 1-25 of the MTOR gene. This region includes the initiator codon of the gene. This copy number gain extends beyond the assayed region for this gene and therefore may encompass additional genes. As the precise location of this event is unknown, it may be in tandem or it may be located elsewhere in the genome. This variant has not been reported in the literature in individuals affected with MTOR-related conditions. In summary, the available evidence is currently insufficient to determine the role of this variant in disease. Therefore, it has been classified as a Variant of Uncertain Significance.

NC_000001.10:g.(?_11269349)_(11346188_?)dup

Genes: MTOR (mechanistic target of rapamycin kinase; minus strand), UBIAD1 (UbiA prenyltransferase domain containing 1; plus strand). Cytogenetic location: 1p36.22.
Variant type: Duplication.
Identifiers: ClinVar variation 2425246 (VCV002425246.4).